The following is an entry in ClinVar:

ClinVar aggregate classification (germline): Pathogenic (1 of 4 stars; one submission).

Conditions:
Bardet-Biedl syndrome 1 (BBS1). Identifiers: MedGen C2936862, MONDO:0008854, OMIM 209900. Disease mechanism: loss of function.

Submission:

Myriad Genetics, Inc.
Classification: Pathogenic for Bardet-Biedl syndrome 1. Last evaluated: 2025-06-30. Review status: criteria provided, single submitter. Criteria: Myriad Autosomal Dominant, Autosomal Recessive and X-Linked Classification Criteria (2023). Collection method: clinical testing. Allele origin: unknown.
Comment: NM_024649.4(BBS1):c.565delC(H189Tfs*15) is expected to be pathogenic in the context of Bardet-Biedl syndrome, BBS1-related. This variant is predicted to lead to an abnormal or absent protein product due to the creation of a premature termination codon in BBS1, a gene where loss-of-function variants are known to be pathogenic. Please note: this variant was assessed in the context of healthy population screening.

NM_024649.5(BBS1):c.565del (p.His189fs)

Gene: BBS1 (Bardet-Biedl syndrome 1; plus strand). Cytogenetic location: 11q13.2.
Variant type: Deletion.
Coding change: c.565del on transcript NM_024649.5 (MANE Select); coding-DNA position 565, one base deleted (C; older notation c.565delC).
Protein change: p.His189fs; shifts the reading frame from histidine 189.
Molecular consequence: frameshift variant.
Genome position (GRCh38, 1-based): chr11:66,515,907, C deleted. VCF-style (leftmost placement, unchanged base first): chr11-66515906-AC-A. GRCh37 (hg19) VCF-style: chr11-66283377-AC-A.
Other names: short protein forms H189fs.
Identifiers: ClinVar variation 5014659 (VCV005014659.1).
Genomic context (GRCh38, chr11:66,515,906, plus strand): 5'-TCTCTGTGTGTCTAGGTTTCTGCAGCTGGAGCTAAGTGAAATGGAGGCATTTGTAAACCA[AC>A]ACAAGTCCAACTCCATCAAGCGGCAGGTAATACCCCCTTCTCTTTTTATTTCCCTGTAAA-3'